The following is an entry in ClinVar:

NM_000302.4(PLOD1):c.265G>T (p.Ala89Ser)

Gene: PLOD1 (procollagen-lysine,2-oxoglutarate 5-dioxygenase 1; plus strand). Cytogenetic location: 1p36.22.
Variant type: single nucleotide variant.
Coding change: c.265G>T on transcript NM_000302.4 (MANE Select); coding-DNA position 265, G replaced by T.
Protein change: p.Ala89Ser; replaces alanine 89 with serine.
Molecular consequence: missense variant.
Genome position (GRCh38, 1-based): chr1:11,949,869, G>T. VCF-style: chr1-11949869-G-T. GRCh37 (hg19) VCF-style: chr1-12009926-G-T.
Other names: c.406G>T, p.Ala136Ser (NM_001316320.2); short protein forms A89S, A136S.
Identifiers: ClinVar variation 264618 (VCV000264618.13), dbSNP rs886039207, ClinGen allele CA10587412.

ClinVar aggregate classification (germline): Uncertain significance. Review status: criteria provided, multiple submitters, no conflicts (2 of 4 stars). 2 submissions from 2 submitters: Uncertain significance (2). Last evaluated 2025-02-23.

Conditions:
Ehlers-Danlos syndrome, kyphoscoliotic type 1 (EDSKSCL1). Also called: EHLERS-DANLOS SYNDROME, OCULAR-SCOLIOTIC TYPE; PLOD1-Related Kyphoscoliotic Ehlers-Danlos Syndrome; EHLERS-DANLOS SYNDROME, TYPE VIA; Ehlers-Danlos syndrome, hydroxylysine-deficient. Identifiers: Orphanet 1900, MedGen C0268342, MONDO:0016002, OMIM 225400. Disease mechanism: loss of function.
Familial thoracic aortic aneurysm and aortic dissection (TAAD). Also called: Thoracic aortic aneurysms and dissections. Identifiers: Orphanet 91387, MedGen C4707243, MONDO:0019625.

Allele frequency attached by ClinVar (database versions not stated): gnomAD exomes below 0.00001; gnomAD 0.00001; TOPMed 0.00001.
gnomAD v4.1: 8 of 1,613,952 alleles (0.0005%); highest among the groups gnomAD compares: African/African-American, 0.0013%; no homozygotes.

Submissions (2):

Ambry Genetics
Classification: Uncertain significance for Familial thoracic aortic aneurysm and aortic dissection. Last evaluated: 2025-02-23. Review status: criteria provided, single submitter. Criteria: Ambry Variant Classification Scheme 2023. Collection method: clinical testing. Allele origin: germline.
Comment: The p.A89S variant (also known as c.265G>T), located in coding exon 3 of the PLOD1 gene, results from a G to T substitution at nucleotide position 265. The alanine at codon 89 is replaced by serine, an amino acid with similar properties. This variant was not reported in population based cohorts in the following databases: Database of Single Nucleotide Polymorphisms (dbSNP), NHLBI Exome Sequencing Project (ESP), and 1000 Genomes Project. In the ESP, this variant was not observed in 6503 samples (13006 alleles) with coverage at this position. This amino acid position is not well conserved in available vertebrate species. In addition, this alteration is predicted to be tolerated by in silico analysis. Since supporting evidence is limited at this time, the clinical significance of this variant remains unclear.

Labcorp Genetics (formerly Invitae), Labcorp
Classification: Uncertain significance for Ehlers-Danlos syndrome, kyphoscoliotic type 1. Last evaluated: 2022-09-01. Review status: criteria provided, single submitter. Criteria: Invitae Variant Classification Sherloc (09022015). Collection method: clinical testing. Allele origin: germline.
Comment: This sequence change replaces alanine, which is neutral and non-polar, with serine, which is neutral and polar, at codon 89 of the PLOD1 protein (p.Ala89Ser). The frequency data for this variant in the population databases is considered unreliable, as metrics indicate poor data quality at this position in the gnomAD database. This variant has not been reported in the literature in individuals affected with PLOD1-related conditions. ClinVar contains an entry for this variant (Variation ID: 264618). Algorithms developed to predict the effect of missense changes on protein structure and function (SIFT, PolyPhen-2, Align-GVGD) all suggest that this variant is likely to be tolerated. In summary, the available evidence is currently insufficient to determine the role of this variant in disease. Therefore, it has been classified as a Variant of Uncertain Significance.